The following is an entry in ClinVar:

NM_015102.5(NPHP4):c.1243C>T (p.Pro415Ser)

Gene: NPHP4 (nephrocystin 4; minus strand). Cytogenetic location: 1p36.31.
Variant type: single nucleotide variant.
Coding change: c.1243C>T on transcript NM_015102.5 (MANE Select); coding-DNA position 1243, C replaced by T.
Protein change: p.Pro415Ser; replaces proline 415 with serine.
Molecular consequence: missense variant. On other transcripts: 5 prime UTR variant (2), non-coding transcript variant (1).
Genome position (GRCh38, 1-based): chr1:5,933,206, G>A on the plus strand (C>T on the coding strand, the complement: NPHP4 is on the minus strand). VCF-style: chr1-5933206-G-A. GRCh37 (hg19) VCF-style: chr1-5993266-G-A.
Other names: c.-124C>T (NM_001291593.2, NM_001291594.2); short protein forms P415S.
Identifiers: ClinVar variation 1062909 (VCV001062909.9), dbSNP rs1646366756, ClinGen allele CA338061144.

ClinVar aggregate classification (germline): Uncertain significance (1 of 4 stars; one submission).

Conditions:
Nephronophthisis. Also called: Juvenile Nephronophthisis. Identifiers: Orphanet 655, MedGen C0687120, MONDO:0019005, HP:0000090.

Allele frequency attached by ClinVar (database versions not stated): TOPMed 0.00001.

Submission:

Labcorp Genetics (formerly Invitae), Labcorp
Classification: Uncertain significance for Nephronophthisis. Last evaluated: 2020-10-08. Review status: criteria provided, single submitter. Criteria: Invitae Variant Classification Sherloc (09022015). Collection method: clinical testing. Allele origin: germline.
Comment: This sequence change replaces proline with serine at codon 415 of the NPHP4 protein (p.Pro415Ser). The proline residue is moderately conserved and there is a moderate physicochemical difference between proline and serine. In summary, the available evidence is currently insufficient to determine the role of this variant in disease. Therefore, it has been classified as a Variant of Uncertain Significance. Algorithms developed to predict the effect of missense changes on protein structure and function output the following: SIFT: "Tolerated"; PolyPhen-2: "Benign"; Align-GVGD: "Class C0". The serine amino acid residue is found in multiple mammalian species, suggesting that this missense change does not adversely affect protein function. These predictions have not been confirmed by published functional studies and their clinical significance is uncertain. This variant has not been reported in the literature in individuals with NPHP4-related conditions. This variant is not present in population databases (ExAC no frequency).